The following is an entry in ClinVar:

ClinVar aggregate classification (germline): Conflicting classifications of pathogenicity. Review status: criteria provided, conflicting classifications (1 of 4 stars). 3 submissions from 3 submitters: Uncertain significance (2); Likely benign (1). Last evaluated 2025-02-01.

Conditions:
Cardiovascular phenotype. Identifiers: MedGen CN230736.
Cardiomyopathy (CMYO). Also called: Cardiomyopathies. Identifiers: Orphanet 167848, MedGen C0878544, MONDO:0004994, HP:0001638. Inheritance: Various modes of inheritance.
Arrhythmogenic cardiomyopathy with wooly hair and keratoderma. Also called: PALMOPLANTAR KERATODERMA WITH LEFT VENTRICULAR CARDIOMYOPATHY AND WOOLLY HAIR; Carvajal syndrome; Dilated cardiomyopathy with woolly hair and keratoderma; Arrhythmogenic cardiomyopathy with woolly hair and keratoderma. Identifiers: Orphanet 65282, MedGen C1854063, MONDO:0011581, OMIM 605676.
Arrhythmogenic right ventricular dysplasia 8 (ARVD8). Also called: ARRHYTHMOGENIC RIGHT VENTRICULAR DYSPLASIA, FAMILIAL, 8; Arrhythmogenic Right Ventricular Dysplasia/Cardiomyopathy 8; ARRHYTHMOGENIC RIGHT VENTRICULAR CARDIOMYOPATHY 8. Identifiers: MedGen C1843896, MONDO:0011831, OMIM 607450.

gnomAD v4.1: 17 of 1,614,084 alleles (0.0011%); highest among the groups gnomAD compares: Admixed American, 0.028%; no homozygotes.

Submissions (3):

Ambry Genetics
Classification: Uncertain significance for Cardiovascular phenotype. Last evaluated: 2025-02-01. Review status: criteria provided, single submitter. Criteria: Ambry Variant Classification Scheme 2023. Collection method: clinical testing. Allele origin: germline.

Labcorp Genetics (formerly Invitae), Labcorp
Classification: Likely benign for Arrhythmogenic cardiomyopathy with wooly hair and keratoderma; Arrhythmogenic right ventricular dysplasia 8. Last evaluated: 2024-05-01. Review status: criteria provided, single submitter. Criteria: Invitae Variant Classification Sherloc (09022015). Collection method: clinical testing. Allele origin: germline.

Color Diagnostics, LLC DBA Color Health
Classification: Uncertain significance for Cardiomyopathy. Last evaluated: 2024-03-06. Review status: criteria provided, single submitter. Criteria: ACMG Guidelines, 2015. Collection method: clinical testing. Allele origin: germline.
Comment: This missense variant replaces serine with phenylalanine at codon 2608 of the DSP protein. Computational prediction suggests that this variant may not impact protein structure and function (internally defined REVEL score threshold <= 0.5, PMID: 27666373). Splice site prediction tools suggest that this variant may not impact RNA splicing. To our knowledge, functional studies have not been performed for this variant. This variant has not been reported in individuals affected with cardiovascular disorders in the literature. This variant has been identified in 4/251308 chromosomes in the general population by the Genome Aggregation Database (gnomAD). The available evidence is insufficient to determine the role of this variant in disease conclusively. Therefore, this variant is classified as a Variant of Uncertain Significance.

NM_004415.4(DSP):c.7823C>T (p.Ser2608Phe)

Gene: DSP (desmoplakin; plus strand). Cytogenetic location: 6p24.3.
Variant type: single nucleotide variant.
Coding change: c.7823C>T on transcript NM_004415.4 (MANE Select); coding-DNA position 7823, C replaced by T.
Protein change: p.Ser2608Phe; replaces serine 2608 with phenylalanine.
Molecular consequence: missense variant.
Genome position (GRCh38, 1-based): chr6:7,585,085, C>T. VCF-style: chr6-7585085-C-T. GRCh37 (hg19) VCF-style: chr6-7585318-C-T.
Other names: c.6026C>T, p.Ser2009Phe (NM_001008844.3); c.6494C>T, p.Ser2165Phe (NM_001319034.2); short protein forms S2165F, S2608F, S2009F.
Identifiers: ClinVar variation 928086 (VCV000928086.10), dbSNP rs777066674, ClinGen allele CA362693857.
Genomic context (GRCh38, chr6:7,585,085, plus strand): 5'-AATCAGTAAGTAAGATTTCCACCATATCCAGCGTCAGGAATTTAACCATAAGGAGCAGCT[C>T]TTTTTCAGACACCCTGGAAGAATCGAGCCCCATTGCAGCCATCTTTGACACAGAAAACCT-3'
Protein context (NP_004406.2, residues 2598-2618): SVRNLTIRSS[Ser2608Phe]FSDTLEESSP